The following is an entry in ClinVar:

NM_021625.5(TRPV4):c.61G>A (p.Asp21Asn)

Gene: TRPV4 (transient receptor potential cation channel subfamily V member 4; minus strand). Cytogenetic location: 12q24.11.
Variant type: single nucleotide variant.
Coding change: c.61G>A on transcript NM_021625.5 (MANE Select); coding-DNA position 61, G replaced by A.
Protein change: p.Asp21Asn; replaces aspartic acid 21 with asparagine.
Molecular consequence: missense variant.
Genome position (GRCh38, 1-based): chr12:109,814,736, C>T on the plus strand (G>A on the coding strand, the complement: TRPV4 is on the minus strand). VCF-style: chr12-109814736-C-T. GRCh37 (hg19) VCF-style: chr12-110252541-C-T.
Other names: c.61G>A, p.Asp21Asn (NM_001177428.2, NM_001177431.2, NM_001177433.2 and 1 more transcripts); short protein forms D21N.
Identifiers: ClinVar variation 2861092 (VCV002861092.3), dbSNP rs1234380387, ClinGen allele CA386661021.

ClinVar aggregate classification (germline): Uncertain significance (1 of 4 stars; one submission).

Conditions:
Charcot-Marie-Tooth disease axonal type 2C (HMSN2C). Also called: CHARCOT-MARIE-TOOTH DISEASE, AXONAL, AUTOSOMAL DOMINANT, TYPE 2C; Charcot-Marie-Tooth Neuropathy Type 2C; Charcot-Marie-Tooth Disease Type 2, TRPV4-Related (CMT2C). Identifiers: Orphanet 99937, MedGen C1853710, MONDO:0011633, OMIM 606071.

Submission:

Labcorp Genetics (formerly Invitae), Labcorp
Classification: Uncertain significance for Charcot-Marie-Tooth disease axonal type 2C. Last evaluated: 2023-06-29. Review status: criteria provided, single submitter. Criteria: Invitae Variant Classification Sherloc (09022015). Collection method: clinical testing. Allele origin: germline.
Comment: This variant has not been reported in the literature in individuals affected with TRPV4-related conditions. Advanced modeling of protein sequence and biophysical properties (such as structural, functional, and spatial information, amino acid conservation, physicochemical variation, residue mobility, and thermodynamic stability) performed at Invitae indicates that this missense variant is not expected to disrupt TRPV4 protein function. In summary, the available evidence is currently insufficient to determine the role of this variant in disease. Therefore, it has been classified as a Variant of Uncertain Significance. This variant is not present in population databases (gnomAD no frequency). This sequence change replaces aspartic acid, which is acidic and polar, with asparagine, which is neutral and polar, at codon 21 of the TRPV4 protein (p.Asp21Asn).